The following is an entry in ClinVar:

NM_005676.5(RBM10):c.739C>A (p.Leu247Met)

Genes: RBM10 (RNA binding motif protein 10; plus strand), LOC126863252 (CDK7 strongly-dependent group 2 enhancer GRCh37_chrX:47037923-47039122; plus strand). Cytogenetic location: Xp11.3.
Variant type: single nucleotide variant.
Coding change: c.739C>A on transcript NM_005676.5 (MANE Select); coding-DNA position 739, C replaced by A.
Protein change: p.Leu247Met; replaces leucine 247 with methionine.
Molecular consequence: missense variant.
Genome position (GRCh38, 1-based): chrX:47,179,333, C>A. VCF-style: chrX-47179333-C-A. GRCh37 (hg19) VCF-style: chrX-47038732-C-A.
Other names: c.508C>A, p.Leu170Met (NM_001204466.2, NM_152856.3); c.739C>A, p.Leu247Met (NM_001204467.2); c.934C>A, p.Leu312Met (NM_001204468.2); short protein forms L170M, L247M, L312M.
Identifiers: ClinVar variation 2181162 (VCV002181162.2), dbSNP rs782431273, ClinGen allele CA10395188.

ClinVar aggregate classification (germline): Uncertain significance (1 of 4 stars; one submission).

Allele frequency attached by ClinVar (database versions not stated): TOPMed 0.00001; gnomAD 0.00003.
gnomAD v4.1: 46 of 1,197,690 alleles (0.0038%); highest among the groups gnomAD compares: Non-Finnish European, 0.0045%; no homozygotes.

Submission:

Labcorp Genetics (formerly Invitae), Labcorp
Classification: Uncertain significance. Last evaluated: 2022-02-20. Review status: criteria provided, single submitter. Criteria: Invitae Variant Classification Sherloc (09022015). Collection method: clinical testing. Allele origin: germline.
Comment: In summary, the available evidence is currently insufficient to determine the role of this variant in disease. Therefore, it has been classified as a Variant of Uncertain Significance. Algorithms developed to predict the effect of missense changes on protein structure and function are either unavailable or do not agree on the potential impact of this missense change (SIFT: "Tolerated"; PolyPhen-2: "Possibly Damaging"; Align-GVGD: "Class C0"). This variant has not been reported in the literature in individuals affected with RBM10-related conditions. The frequency data for this variant in the population databases is considered unreliable, as metrics indicate poor data quality at this position in the gnomAD database. This sequence change replaces leucine, which is neutral and non-polar, with methionine, which is neutral and non-polar, at codon 247 of the RBM10 protein (p.Leu247Met).